The following is an entry in ClinVar:

ClinVar aggregate classification (germline): Uncertain significance. Review status: criteria provided, multiple submitters, no conflicts (2 of 4 stars). 4 submissions from 4 submitters: Uncertain significance (4). Last evaluated 2025-09-15.

Conditions:
Catecholaminergic polymorphic ventricular tachycardia (CVPT). Also called: Catecholamine-induced polymorphic ventricular tachycardia. Identifiers: Orphanet 3286, MedGen C5574922, MONDO:0017990.
Cardiomyopathy (CMYO). Also called: Cardiomyopathies. Identifiers: Orphanet 167848, MedGen C0878544, MONDO:0004994, HP:0001638. Inheritance: Various modes of inheritance.
Catecholaminergic polymorphic ventricular tachycardia 1. Also called: VENTRICULAR TACHYCARDIA, STRESS-INDUCED POLYMORPHIC 1; VENTRICULAR TACHYCARDIA, CATECHOLAMINERGIC POLYMORPHIC, 1, WITH OR WITHOUT ATRIAL DYSFUNCTION AND/OR DILATED CARDIOMYOPATHY; RYR2-Related Catecholaminergic Polymorphic Ventricular Tachycardia. Identifiers: Orphanet 3286, MedGen C1631597, MONDO:0011484, OMIM 604772.

Allele frequency attached by ClinVar (database versions not stated): gnomAD exomes below 0.00001 and 0.00003.
gnomAD v4.1: 46 of 1,613,962 alleles (0.0029%); highest among the groups gnomAD compares: Non-Finnish European, 0.0038%; no homozygotes.

Submissions (4):

Labcorp Genetics (formerly Invitae), Labcorp
Classification: Uncertain significance for Catecholaminergic polymorphic ventricular tachycardia 1. Last evaluated: 2025-09-15. Review status: criteria provided, single submitter. Criteria: Invitae Variant Classification Sherloc (09022015). Collection method: clinical testing. Allele origin: germline.
Comment: This sequence change replaces aspartic acid, which is acidic and polar, with glutamic acid, which is acidic and polar, at codon 1138 of the RYR2 protein (p.Asp1138Glu). This variant is present in population databases (rs763881346, gnomAD 0.0009%). This variant has not been reported in the literature in individuals affected with RYR2-related conditions. ClinVar contains an entry for this variant (Variation ID: 1057917). Invitae Evidence Modeling of protein sequence and biophysical properties (such as structural, functional, and spatial information, amino acid conservation, physicochemical variation, residue mobility, and thermodynamic stability) indicates that this missense variant is not expected to disrupt RYR2 protein function with a negative predictive value of 95%. In summary, the available evidence is currently insufficient to determine the role of this variant in disease. Therefore, it has been classified as a Variant of Uncertain Significance.

Color Diagnostics, LLC DBA Color Health
Classification: Uncertain significance for Cardiomyopathy. Last evaluated: 2024-11-17. Review status: criteria provided, single submitter. Criteria: ACMG Guidelines, 2015. Collection method: clinical testing. Allele origin: germline.
Comment: This missense variant replaces aspartic acid with glutamic acid at codon 1138 of the RYR2 protein. Computational prediction suggests that this variant may not impact protein structure and function (internally defined REVEL score threshold <= 0.5, PMID: 27666373). To our knowledge, functional studies have not been reported for this variant. This variant has not been reported in individuals affected with RYR2-related disorders in the literature. This variant has been identified in 1/249072 chromosomes in the general population by the Genome Aggregation Database (gnomAD). The available evidence is insufficient to determine the role of this variant in disease conclusively. Therefore, this variant is classified as a Variant of Uncertain Significance.

Blueprint Genetics
Classification: Uncertain significance. Last evaluated: 2024-05-24. Review status: criteria provided, single submitter. Criteria: ACMG Guidelines, 2015. Collection method: clinical testing. Allele origin: germline.

All of Us Research Program, National Institutes of Health
Classification: Uncertain significance for Catecholaminergic polymorphic ventricular tachycardia. Last evaluated: 2023-04-27. Review status: criteria provided, single submitter. Criteria: ACMG Guidelines, 2015. Collection method: clinical testing. Allele origin: germline. Inheritance: Autosomal dominant inheritance. Observed: 1 variant allele, 1 heterozygote.
Comment: This study involves interpretation of variants in research participants for the purpose of population health screening. Participant phenotype was not available at the time of variant classification. Additional details can be found in publication PMID: 35346344, PMCID: PMC8962531

NM_001035.3(RYR2):c.3414T>G (p.Asp1138Glu)

Gene: RYR2 (ryanodine receptor 2; plus strand). Cytogenetic location: 1q43.
Variant type: single nucleotide variant.
Coding change: c.3414T>G on transcript NM_001035.3 (MANE Select); coding-DNA position 3414, T replaced by G.
Protein change: p.Asp1138Glu; replaces aspartic acid 1138 with glutamic acid.
Molecular consequence: missense variant.
Genome position (GRCh38, 1-based): chr1:237,566,766, T>G. VCF-style: chr1-237566766-T-G. GRCh37 (hg19) VCF-style: chr1-237730066-T-G.
Other names: short protein forms D1138E.
Identifiers: ClinVar variation 1057917 (VCV001057917.13), dbSNP rs763881346, ClinGen allele CA39822873.